The following is an entry in ClinVar:

ClinVar aggregate classification (germline): Conflicting classifications of pathogenicity. Review status: criteria provided, conflicting classifications (1 of 4 stars). 3 submissions from 3 submitters: Uncertain significance (2); Benign (1). Last evaluated 2025-11-02.

Conditions:
BAP1-related tumor predisposition syndrome (TPDS1). Also called: COMMON Syndrome; TUMOR PREDISPOSITION SYNDROME 1; Tumor susceptibility linked to germline BAP1 mutations; BAP1 tumor predisposition syndrome. Identifiers: Orphanet 289539, MedGen C3280492, MONDO:0013692, OMIM 614327.
Hereditary cancer-predisposing syndrome. Also called: Neoplastic Syndromes, Hereditary; Hereditary Cancer Syndrome; Tumor predisposition; Hereditary neoplastic syndrome. Identifiers: Orphanet 140162, MedGen C0027672, MeSH D009386, MONDO:0015356.

Allele frequency attached by ClinVar (database versions not stated): gnomAD below 0.00001 and 0.00001; gnomAD exomes below 0.00001.
gnomAD v4.1: 3 of 1,614,016 alleles (0.00019%); highest among the groups gnomAD compares: South Asian, 0.0033%; no homozygotes.

Submissions (3):

Labcorp Genetics (formerly Invitae), Labcorp
Classification: Uncertain significance for BAP1-related tumor predisposition syndrome. Last evaluated: 2025-11-02. Review status: criteria provided, single submitter. Criteria: Invitae Variant Classification Sherloc (09022015). Collection method: clinical testing. Allele origin: germline.
Comment: This sequence change replaces proline, which is neutral and non-polar, with leucine, which is neutral and non-polar, at codon 282 of the BAP1 protein (p.Pro282Leu). This variant is present in population databases (no rsID available, gnomAD 0.003%). This variant has not been reported in the literature in individuals affected with BAP1-related conditions. ClinVar contains an entry for this variant (Variation ID: 927375). Invitae Evidence Modeling of protein sequence and biophysical properties (such as structural, functional, and spatial information, amino acid conservation, physicochemical variation, residue mobility, and thermodynamic stability) indicates that this missense variant is not expected to disrupt BAP1 protein function with a negative predictive value of 80%. In summary, the available evidence is currently insufficient to determine the role of this variant in disease. Therefore, it has been classified as a Variant of Uncertain Significance.

Ambry Genetics
Classification: Benign for Hereditary cancer-predisposing syndrome. Last evaluated: 2025-03-07. Review status: criteria provided, single submitter. Criteria: Ambry Variant Classification Scheme 2023. Collection method: clinical testing. Allele origin: germline.

Color Diagnostics, LLC DBA Color Health
Classification: Uncertain significance for Hereditary cancer-predisposing syndrome. Last evaluated: 2024-03-06. Review status: criteria provided, single submitter. Criteria: ACMG Guidelines, 2015. Collection method: clinical testing. Allele origin: germline.
Comment: This missense variant replaces proline with leucine at codon 282 of the BAP1 protein. Computational prediction suggests that this variant may not impact protein structure and function (internally defined REVEL score threshold <= 0.5, PMID: 27666373). Splice site prediction tools suggest that this variant may not impact RNA splicing. To our knowledge, functional studies have not been performed for this variant. This variant has not been reported in individuals affected with hereditary cancer in the literature. This variant has been identified in 1/251428 chromosomes in the general population by the Genome Aggregation Database (gnomAD). The available evidence is insufficient to determine the role of this variant in disease conclusively. Therefore, this variant is classified as a Variant of Uncertain Significance.

Literature cited by the submitters: PubMed 38969833 (cited by Ambry Genetics).

NM_004656.4(BAP1):c.845C>T (p.Pro282Leu)

Gene: BAP1 (BRCA1 associated deubiquitinase 1; minus strand). Cytogenetic location: 3p21.1.
Variant type: single nucleotide variant.
Coding change: c.845C>T on transcript NM_004656.4 (MANE Select); coding-DNA position 845, C replaced by T.
Protein change: p.Pro282Leu; replaces proline 282 with leucine.
Molecular consequence: missense variant.
Genome position (GRCh38, 1-based): chr3:52,405,851, G>A on the plus strand (C>T on the coding strand, the complement: BAP1 is on the minus strand). VCF-style: chr3-52405851-G-A. GRCh37 (hg19) VCF-style: chr3-52439867-G-A.
Other names: short protein forms P282L.
Identifiers: ClinVar variation 927375 (VCV000927375.14), dbSNP rs1204584108, ClinGen allele CA353106777.